The following is an entry in ClinVar:

ClinVar aggregate classification (germline): Pathogenic (3 of 4 stars; one submission).

Conditions:
Breast-ovarian cancer, familial, susceptibility to, 1 (BROVCA1). Also called: BRCA1 Hereditary Breast and Ovarian Cancer; OVARIAN CANCER, SUSCEPTIBILITY TO. Identifiers: Orphanet 145, MedGen C2676676, MONDO:0011450, OMIM 604370. Disease mechanism: loss of function.

Submission:

Evidence-based Network for the Interpretation of Germline Mutant Alleles (ENIGMA)
Classification: Pathogenic for Breast-ovarian cancer, familial, susceptibility to, 1. Last evaluated: 2017-12-15. Review status: reviewed by expert panel. Criteria: ENIGMA BRCA1/2 Classification Criteria (2017-06-29). Collection method: curation. Allele origin: germline. Study: ENIGMA.
Comment: Variant allele predicted to encode a truncated non-functional protein.

NM_007294.4(BRCA1):c.3196dup (p.Glu1066fs)

Gene: BRCA1 (BRCA1 DNA repair associated; minus strand). Cytogenetic location: 17q21.31.
Variant type: Duplication.
Coding change: c.3196dup on transcript NM_007294.4 (MANE Select); coding-DNA position 3196, one base duplicated (G; older notation c.3196dupG).
Protein change: p.Glu1066fs; shifts the reading frame from glutamic acid 1066.
Molecular consequence: frameshift variant. On other transcripts: intron variant (137).
Genome position (GRCh38, 1-based): chr17:43,092,335, C duplicated on the plus strand (G on the coding strand, the reverse complement: BRCA1 is on the minus strand). VCF-style (leftmost placement, unchanged base first): chr17-43092334-T-TC. GRCh37 (hg19) VCF-style: chr17-41244351-T-TC.
Other names: c.3196dupG (NM_007294.3); c.710-1303dup (NM_001408412.1, NM_001408409.1, NM_001408414.1 and 2 more transcripts); c.452-1303dup (NM_001408509.1, NM_001408508.1); c.575-1303dup (NM_001408491.1, NM_001408493.1, NM_001408490.1); c.461-1303dup (NM_001408506.1, NM_001408507.1); c.578-1303dup (NM_001408481.1, NM_001408480.1, NM_001408492.1 and 9 more transcripts); c.779-1303dup (NM_001408408.1); c.662-1303dup (NM_001408446.1, NM_001408435.1, NM_001408448.1 and 6 more transcripts); and 42 more; short protein forms E1019fs, E1066fs, E1025fs, E1039fs, E1065fs, E898fs, E955fs, E977fs.
Identifiers: ClinVar variation 548283 (VCV000548283.2), dbSNP rs1555588222, ClinGen allele CA658823978.